The following is an entry in ClinVar:

NM_001040108.2(MLH3):c.4310G>A (p.Cys1437Tyr)

Gene: MLH3 (mutL homolog 3; minus strand). Cytogenetic location: 14q24.3.
Variant type: single nucleotide variant.
Coding change: c.4310G>A on transcript NM_001040108.2 (MANE Select); coding-DNA position 4310, G replaced by A.
Protein change: p.Cys1437Tyr; replaces cysteine 1437 with tyrosine.
Molecular consequence: missense variant.
Genome position (GRCh38, 1-based): chr14:75,017,134, C>T on the plus strand (G>A on the coding strand, the complement: MLH3 is on the minus strand). VCF-style: chr14-75017134-C-T. GRCh37 (hg19) VCF-style: chr14-75483837-C-T.
Other names: c.4238G>A, p.Cys1413Tyr (NM_014381.3); short protein forms C1437Y, C1413Y.
Identifiers: ClinVar variation 2623957 (VCV002623957.3), dbSNP rs2139283253, ClinGen allele CA390417790.

ClinVar aggregate classification (germline): Uncertain significance (1 of 4 stars; one submission).

Submission:

Ambry Genetics
Classification: Uncertain significance. Last evaluated: 2025-08-23. Review status: criteria provided, single submitter. Criteria: Ambry Variant Classification Scheme 2023. Collection method: clinical testing. Allele origin: germline.
Comment: The p.C1437Y variant (also known as c.4310G>A), located in coding exon 12 of the MLH3 gene, results from a G to A substitution at nucleotide position 4310. The cysteine at codon 1437 is replaced by tyrosine, an amino acid with highly dissimilar properties. This amino acid position is conserved. In addition, the in silico prediction for this alteration is inconclusive. Since supporting evidence is limited at this time, the clinical significance of this alteration remains unclear.